The following is an entry in ClinVar:

ClinVar aggregate classification (germline): Uncertain significance (1 of 4 stars; one submission).

Conditions:
PKD1L1-related disorder. Also called: PKD1L1-related condition.

Submission:

PreventionGenetics, part of Exact Sciences
Classification: Uncertain significance for PKD1L1-related condition. Last evaluated: 2026-03-30. Review status: criteria provided, single submitter. Criteria: ACMG Guidelines, 2015. Collection method: clinical testing. Allele origin: germline.
Comment: The PKD1L1 c.7963-2_7963delAGC variant is predicted to result in a deletion affecting a canonical splice site. This variant is predicted to impact splicing based on splicing prediction programs (SpliceAI, Jaganathan et al. 2019. PubMed ID: 30661751). However, the use of computer prediction programs is not equivalent to functional evidence. To our knowledge, this variant has not been reported in the literature or in a large population database (gnomAD), indicating this variant is rare. Variants that disrupt the consensus splice acceptor site in PKD1L1 are expected to be pathogenic. However, this variant is predicted to result in an in-frame transcript. Although we suspect that this variant may be pathogenic, at this time, the clinical significance of this variant is uncertain due to the absence of conclusive functional and genetic evidence.

NM_138295.5(PKD1L1):c.7963-2_7963del

Genes: PKD1L1 (polycystin 1 like 1, transient receptor potential channel interacting; minus strand), PKD1L1-AS1 (PKD1L1 antisense RNA 1; plus strand). Cytogenetic location: 7p12.3.
Variant type: Deletion.
Coding change: c.7963-2_7963del on transcript NM_138295.5 (MANE Select); the canonical splice acceptor site of the intron before coding-DNA position 7963 through coding-DNA position 7963, 3 bases deleted (AGC; older notation c.7963-2_7963delAGC).
Molecular consequence: splice acceptor variant.
Genome position (GRCh38, 1-based): chr7:47,800,879-47,800,881, GCT deleted on the plus strand (AGC on the coding strand, the reverse complement: PKD1L1 is on the minus strand); deleting any 3 consecutive bases within chr7:47,800,879-47,800,883 gives the same sequence; the c. name uses the placement nearest the transcript's 3' end. VCF-style (leftmost placement, unchanged base first): chr7-47800878-AGCT-A. GRCh37 (hg19) VCF-style: chr7-47840476-AGCT-A.
Identifiers: ClinVar variation 4992318 (VCV004992318.1).